The following is an entry in ClinVar:

ClinVar aggregate classification (germline): Uncertain significance. Review status: criteria provided, multiple submitters, no conflicts (2 of 4 stars). 2 submissions from 2 submitters: Uncertain significance (2). Last evaluated 2022-04-12.

Conditions:
Fanconi anemia complementation group I (FANCI). Also called: FANCI-Related Fanconi Anemia. Identifiers: Orphanet 84, MedGen C1836861, MONDO:0012186, OMIM 609053.
Fanconi anemia (FA). Also called: Fanconi's anemia. Identifiers: Orphanet 84, MedGen C0015625, MeSH D005199, MONDO:0019391.

Allele frequency attached by ClinVar (database versions not stated): gnomAD 0.00001; gnomAD exomes 0.00002; ExAC 0.00007.
gnomAD v4.1: 24 of 1,611,566 alleles (0.0015%); highest among the groups gnomAD compares: Middle Eastern, 0.016%; no homozygotes.

Submissions (2):

Fulgent Genetics
Classification: Uncertain significance for Fanconi anemia complementation group I. Last evaluated: 2022-04-12. Review status: criteria provided, single submitter. Criteria: ACMG Guidelines, 2015. Collection method: clinical testing. Allele origin: unknown.

Labcorp Genetics (formerly Invitae), Labcorp
Classification: Uncertain significance for Fanconi anemia. Last evaluated: 2021-08-27. Review status: criteria provided, single submitter. Criteria: Invitae Variant Classification Sherloc (09022015). Collection method: clinical testing. Allele origin: germline.
Comment: This sequence change replaces alanine with serine at codon 1311 of the FANCI protein (p.Ala1311Ser). The alanine residue is weakly conserved and there is a moderate physicochemical difference between alanine and serine. This variant is present in population databases (rs754573704, ExAC 0.01%). This variant has not been reported in the literature in individuals affected with FANCI-related conditions. Algorithms developed to predict the effect of missense changes on protein structure and function (SIFT, PolyPhen-2, Align-GVGD) all suggest that this variant is likely to be tolerated. In summary, the available evidence is currently insufficient to determine the role of this variant in disease. Therefore, it has been classified as a Variant of Uncertain Significance.

NM_001113378.2(FANCI):c.3931G>T (p.Ala1311Ser)

Genes: FANCI (FA complementation group I; plus strand), POLG (DNA polymerase gamma, catalytic subunit; minus strand). Cytogenetic location: 15q26.1.
Variant type: single nucleotide variant.
Coding change: c.3931G>T on transcript NM_001113378.2 (MANE Select); coding-DNA position 3931, G replaced by T.
Protein change: p.Ala1311Ser; replaces alanine 1311 with serine.
Molecular consequence: missense variant. On other transcripts: 3 prime UTR variant (2).
Genome position (GRCh38, 1-based): chr15:89,316,403, G>T. VCF-style: chr15-89316403-G-T. GRCh37 (hg19) VCF-style: chr15-89859634-G-T.
Other names: c.*348C>A (NM_001126131.2, NM_002693.3); c.3652G>T, p.Ala1218Ser (NM_001376910.1); c.3931G>T, p.Ala1311Ser (NM_001376911.1); c.3751G>T, p.Ala1251Ser (NM_018193.3); short protein forms A1251S, A1311S, A1218S.
Identifiers: ClinVar variation 1366932 (VCV001366932.6), dbSNP rs754573704, ClinGen allele CA7723991.